The following is an entry in ClinVar:

NM_000466.3(PEX1):c.3343G>A (p.Glu1115Lys)

Genes: GATAD1 (GATA zinc finger domain containing 1; plus strand), PEX1 (peroxisomal biogenesis factor 1; minus strand). Cytogenetic location: 7q21.2.
Variant type: single nucleotide variant.
Coding change: c.3343G>A on transcript NM_000466.3 (MANE Select); coding-DNA position 3343, G replaced by A.
Protein change: p.Glu1115Lys; replaces glutamic acid 1115 with lysine.
Molecular consequence: missense variant.
Genome position (GRCh38, 1-based): chr7:92,491,367, C>T on the plus strand (G>A on the coding strand, the complement: PEX1 is on the minus strand). VCF-style: chr7-92491367-C-T. GRCh37 (hg19) VCF-style: chr7-92120681-C-T.
Other names: c.3172G>A, p.Glu1058Lys (NM_001282677.2); c.2719G>A, p.Glu907Lys (NM_001282678.2); c.3343G>A (NM_000466.2); short protein forms E1115K, E1058K, E907K.
Identifiers: ClinVar variation 1436347 (VCV001436347.7), dbSNP rs372796096, ClinGen allele CA4340849.

ClinVar aggregate classification (germline): Conflicting classifications of pathogenicity. Review status: criteria provided, conflicting classifications (1 of 4 stars). 2 submissions from 2 submitters: Uncertain significance (1); Likely benign (1). Last evaluated 2025-06-03.

Conditions:
Zellweger spectrum disorders (ZS). Also called: Zellweger Spectrum Disorder (ZSD); Zellweger Spectrum Disorder; Zellweger Spectrum; Zellweger syndrome. Identifiers: Orphanet 912, MedGen C0043459, MONDO:0019609.
PEX1-related disorder. Also called: PEX1-related condition.

Allele frequency attached by ClinVar (database versions not stated): ExAC 0.00002; gnomAD exomes 0.00002 and 0.00006; ESP Exome Variant Server 0.00008; TOPMed 0.00014; gnomAD 0.00016 and 0.00017.
gnomAD v4.1: 52 of 1,613,746 alleles (0.0032%); highest among the groups gnomAD compares: Admixed American, 0.048%; no homozygotes.

Submissions (2):

Labcorp Genetics (formerly Invitae), Labcorp
Classification: Likely benign for Zellweger spectrum disorders. Last evaluated: 2025-06-03. Review status: criteria provided, single submitter. Criteria: Invitae Variant Classification Sherloc (09022015). Collection method: clinical testing. Allele origin: germline.

PreventionGenetics, part of Exact Sciences
Classification: Uncertain significance for PEX1-related condition. Last evaluated: 2025-03-03. Review status: criteria provided, single submitter. Criteria: ACMG Guidelines, 2015. Collection method: clinical testing. Allele origin: germline.
Comment: The PEX1 c.3343G>A variant is predicted to result in the amino acid substitution p.Glu1115Lys. To our knowledge, this variant has not been reported in the literature. This variant is reported in 0.034% of alleles in individuals of Latino descent in gnomAD. At this time, the clinical significance of this variant is uncertain due to the absence of conclusive functional and genetic evidence.